The following is an entry in ClinVar:

NM_001042492.3(NF1):c.4835+4A>G

Gene: NF1 (neurofibromin 1; plus strand). Cytogenetic location: 17q11.2.
Variant type: single nucleotide variant.
Coding change: c.4835+4A>G on transcript NM_001042492.3 (MANE Select); 4 bases into the intron after coding-DNA position 4835, A replaced by G.
Molecular consequence: intron variant.
Genome position (GRCh38, 1-based): chr17:31,265,343, A>G. VCF-style: chr17-31265343-A-G. GRCh37 (hg19) VCF-style: chr17-29592361-A-G.
Other names: c.4772+4A>G (NM_000267.4).
Identifiers: ClinVar variation 2028950 (VCV002028950.4), dbSNP rs2508445965, ClinGen allele CA2580093368.

ClinVar aggregate classification (germline): Uncertain significance (1 of 4 stars; one submission).

Conditions:
Neurofibromatosis, type 1 (NF1). Also called: VON RECKLINGHAUSEN DISEASE; NEUROFIBROMATOSIS, TYPE I, SOMATIC; Neurofibromatosis, type I; Peripheral type neurofibromatosis. Identifiers: Orphanet 636, MedGen C0027831, MONDO:0018975, OMIM 162200. Disease mechanism: loss of function.

Submission:

Labcorp Genetics (formerly Invitae), Labcorp
Classification: Uncertain significance for Neurofibromatosis, type 1. Last evaluated: 2022-09-04. Review status: criteria provided, single submitter. Criteria: Invitae Variant Classification Sherloc (09022015). Collection method: clinical testing. Allele origin: germline.
Comment: This variant is not present in population databases (gnomAD no frequency). This sequence change falls in intron 35 of the NF1 gene. It does not directly change the encoded amino acid sequence of the NF1 protein. It affects a nucleotide within the consensus splice site. This variant has not been reported in the literature in individuals affected with NF1-related conditions. In summary, the available evidence is currently insufficient to determine the role of this variant in disease. Therefore, it has been classified as a Variant of Uncertain Significance. Variants that disrupt the consensus splice site are a relatively common cause of aberrant splicing (PMID: 17576681, 9536098). Algorithms developed to predict the effect of sequence changes on RNA splicing suggest that this variant may create or strengthen a splice site.

Literature cited by the submitters: PubMed 17576681; PubMed 9536098.